The following is an entry in ClinVar:

NM_000540.3(RYR1):c.3023C>T (p.Ala1008Val)

Gene: RYR1 (ryanodine receptor 1; plus strand). Cytogenetic location: 19q13.2.
Variant type: single nucleotide variant.
Coding change: c.3023C>T on transcript NM_000540.3 (MANE Select); coding-DNA position 3023, C replaced by T.
Protein change: p.Ala1008Val; replaces alanine 1008 with valine.
Molecular consequence: missense variant.
Genome position (GRCh38, 1-based): chr19:38,466,243, C>T. VCF-style: chr19-38466243-C-T. GRCh37 (hg19) VCF-style: chr19-38956883-C-T.
Other names: c.3023C>T, p.Ala1008Val (NM_001042723.2); short protein forms A1008V.
Identifiers: ClinVar variation 4757305 (VCV004757305.1).

ClinVar aggregate classification (germline): Uncertain significance (1 of 4 stars; one submission).

Conditions:
Malignant hyperthermia, susceptibility to, 1 (MHS1). Also called: RYR1-Related Malignant Hyperthermia Susceptibility; Malignant hyperthermia suceptibility 1; Anesthesia related hyperthermia; Malignant hyperpyrexia; Fulminating hyperpyrexia; Pharmacogenic myopathy. Identifiers: Orphanet 423, MedGen C2930980, MONDO:0007783, OMIM 145600.

Submission:

Color Diagnostics, LLC DBA Color Health
Classification: Uncertain significance for Malignant hyperthermia, susceptibility to, 1. Last evaluated: 2025-06-23. Review status: criteria provided, single submitter. Criteria: ACMG Guidelines, 2015. Collection method: clinical testing. Allele origin: germline.
Comment: This missense variant replaces alanine with valine at codon 1008 of the RYR1 protein. Computational prediction suggests that this variant may not impact protein structure and function. To our knowledge, functional studies have not been reported for this variant. This variant has not been reported in individuals affected with RYR1-related disorders in the literature. This variant has not been identified in the general population by the Genome Aggregation Database (gnomAD). The available evidence is insufficient to determine the role of this variant in disease conclusively. Therefore, this variant is classified as a Variant of Uncertain Significance.